The following is an entry in ClinVar:

ClinVar aggregate classification (germline): Uncertain significance. Review status: criteria provided, multiple submitters, no conflicts (2 of 4 stars). 2 submissions from 2 submitters: Uncertain significance (2). Last evaluated 2024-11-18.

Conditions:
Alexander disease (ALXDRD). Also called: Alexander's disease. Identifiers: Orphanet 58, MedGen C0270726, MONDO:0008752, OMIM 203450.

Allele frequency attached by ClinVar (database versions not stated): ExAC 0.00001; TOPMed below 0.00001; gnomAD exomes below 0.00001 and 0.00001; gnomAD 0.00001.
gnomAD v4.1: 5 of 1,613,396 alleles (0.00031%); highest among the groups gnomAD compares: Non-Finnish European, 0.00042%; no homozygotes.

Submissions (2):

Labcorp Genetics (formerly Invitae), Labcorp
Classification: Uncertain significance. Last evaluated: 2024-11-18. Review status: criteria provided, single submitter. Criteria: Invitae Variant Classification Sherloc (09022015). Collection method: clinical testing. Allele origin: germline.
Comment: This sequence change replaces threonine, which is neutral and polar, with alanine, which is neutral and non-polar, at codon 265 of the GFAP protein (p.Thr265Ala). This variant is present in population databases (rs758250219, gnomAD 0.0009%). This variant has not been reported in the literature in individuals affected with GFAP-related conditions. ClinVar contains an entry for this variant (Variation ID: 1064519). Invitae Evidence Modeling of protein sequence and biophysical properties (such as structural, functional, and spatial information, amino acid conservation, physicochemical variation, residue mobility, and thermodynamic stability) has been performed for this missense variant. However, the output from this modeling did not meet the statistical confidence thresholds required to predict the impact of this variant on GFAP protein function. In summary, the available evidence is currently insufficient to determine the role of this variant in disease. Therefore, it has been classified as a Variant of Uncertain Significance.

Institute of Human Genetics, University of Goettingen
Classification: Uncertain significance for Alexander disease. Last evaluated: 2021-04-15. Review status: criteria provided, single submitter. Criteria: ACMG Guidelines, 2015. Collection method: clinical testing. Allele origin: unknown. Inheritance: Autosomal dominant inheritance. Observed: 1 variant allele, 1 heterozygote.
Comment: The GFAP variant c.793A>G (p.(Thr265Ala)) is found at a population frequency of 0.00040% in the gnomAD database, it affects a moderately conserved nucleotide and a highly conserved amino acid within a protein domain and there is a small physicochemical difference between Thr and Ala. This variant has a pathogenic computational verdict based on in silico prediction programs (BayesDel_addAF, DEOGEN2, FATHMM-MKL, M-CAP, MVP, MutationTaster and SIFT). ACMG criteria used for classification: PM1_supp, PM2_supp, PP2, PP3.

NM_002055.5(GFAP):c.793A>G (p.Thr265Ala)

Gene: GFAP (glial fibrillary acidic protein; minus strand). Cytogenetic location: 17q21.31.
Variant type: single nucleotide variant.
Coding change: c.793A>G on transcript NM_002055.5 (MANE Select); coding-DNA position 793, A replaced by G.
Protein change: p.Thr265Ala; replaces threonine 265 with alanine.
Molecular consequence: missense variant.
Genome position (GRCh38, 1-based): chr17:44,911,785, T>C on the plus strand (A>G on the coding strand, the complement: GFAP is on the minus strand). VCF-style: chr17-44911785-T-C. GRCh37 (hg19) VCF-style: chr17-42989153-T-C.
Other names: c.793A>G, p.Thr265Ala (NM_001131019.3, NM_001242376.3, NM_001363846.2); short protein forms T265A.
Identifiers: ClinVar variation 1064519 (VCV001064519.5), dbSNP rs758250219, ClinGen allele CA8608849.
Genomic context (GRCh38, chr17:44,911,785, plus strand): 5'-AGTCGTTGGCTTCGTGCTTGGCCTGGCGGAGCAGCTCCGCGTTGCGGGCAGCAGCGTCTG[T>C]CAGGTCTGCAAACTAGGTGGGGGACACATATGGGGGGCTGTGTGGGCCCATGGGCAGGCA-3'
Protein context (NP_002046.1, residues 255-275): EWYRSKFADL[Thr265Ala]DAAARNAELL